The following is an entry in ClinVar:

NM_000278.5(PAX2):c.548del (p.Gly183fs)

Gene: PAX2 (paired box 2; plus strand). Cytogenetic location: 10q24.31.
Variant type: Deletion.
Coding change: c.548del on transcript NM_000278.5 (MANE Select); coding-DNA position 548, one base deleted (G; older notation c.548delG).
Protein change: p.Gly183fs; shifts the reading frame from glycine 183.
Molecular consequence: frameshift variant.
Genome position (GRCh38, 1-based): chr10:100,781,297, G deleted; the last of 3 consecutive G bases (chr10:100,781,295-100,781,297); deleting any one gives the same sequence. VCF-style (leftmost placement, unchanged base first): chr10-100781294-TG-T. GRCh37 (hg19) VCF-style: chr10-102541051-TG-T.
Other names: c.641del, p.Gly214fs (NM_001304569.2); c.548del, p.Gly183fs (NM_003987.5, NM_003988.5, NM_003989.5 and 1 more transcripts); short protein forms G183fs, G214fs.
Identifiers: ClinVar variation 4879567 (VCV004879567.1).
Genomic context (GRCh38, chr10:100,781,294, plus strand): 5'-CCTCTCATCCAGTTCCCAGCACGGCCTCCCCTCCTGTTTCCAGCGCCTCCAATGACCCAG[TG>T]GGATCCTACTCCATCAATGGGATCCTGGGGATTCCTCGCTCCAATGGTGAGAAGAGGAAA-3'

ClinVar aggregate classification (germline): Pathogenic (1 of 4 stars; one submission).

Conditions:
Focal segmental glomerulosclerosis 7 (FSGS7). Identifiers: Orphanet 656, MedGen C4014925, MONDO:0014451, OMIM 616002.

Submission:

Victorian Clinical Genetics Services, Murdoch Childrens Research Institute
Classification: Pathogenic for Focal segmental glomerulosclerosis 7. Last evaluated: 2026-04-14. Review status: criteria provided, single submitter. Criteria: ACMG Guidelines, 2015. Collection method: clinical testing. Allele origin: germline. Affected: yes.
Comment: This variant is classified as Pathogenic. Evidence in support of pathogenic classification: Variant is predicted to cause nonsense-mediated decay (NMD) and loss of protein (premature termination codon is located at least 54 nucleotides upstream of the final exon-exon junction); Variant is absent from gnomAD (v2, v3 and v4); Other NMD-predicted variant(s) comparable to the one identified in this case have very strong previous evidence for pathogenicity (DECIPHER). Additional information: This variant is heterozygous; This gene is associated with autosomal dominant disease; Loss of function is a known mechanism of disease in this gene and is associated with a spectrum of disease from focal segmental glomerulosclerosis, 7 (MIM#616002) to papillorenal syndrome (MIM#120330); Variants in this gene are known to have variable expressivity (PMIDs: 20301624, 34696790); Inheritance information for this variant is not currently available in this individual.

Literature cited by the submitters: PubMed 34696790; PubMed 20301624.